The following is an entry in ClinVar:

ClinVar aggregate classification (germline): Uncertain significance. Review status: criteria provided, multiple submitters, no conflicts (2 of 4 stars). 2 submissions from 2 submitters: Uncertain significance (2). Last evaluated 2026-06-28.

Conditions:
ATOH1-related disorder. Also called: ATOH1-related condition.

Submissions (2):

PreventionGenetics, part of Exact Sciences
Classification: Uncertain significance for ATOH1-related condition. Last evaluated: 2026-06-28. Review status: criteria provided, single submitter. Criteria: ACMG Guidelines, 2015. Collection method: clinical testing. Allele origin: germline.
Comment: The ATOH1 c.373C>T variant is predicted to result in the amino acid substitution p.Arg125Trp. To our knowledge, this variant has not been reported in the literature or in a large population database (gnomAD), indicating this variant is rare. At this time, the clinical significance of this variant is uncertain due to the absence of conclusive functional and genetic evidence.

Ambry Genetics
Classification: Uncertain significance. Last evaluated: 2025-03-27. Review status: criteria provided, single submitter. Criteria: Ambry Variant Classification Scheme 2023. Collection method: clinical testing. Allele origin: germline.

NM_005172.2(ATOH1):c.373C>T (p.Arg125Trp)

Gene: ATOH1 (atonal bHLH transcription factor 1; plus strand). Cytogenetic location: 4q22.2.
Variant type: single nucleotide variant.
Coding change: c.373C>T on transcript NM_005172.2 (MANE Select); coding-DNA position 373, C replaced by T.
Protein change: p.Arg125Trp; replaces arginine 125 with tryptophan.
Molecular consequence: missense variant.
Genome position (GRCh38, 1-based): chr4:93,829,299, C>T. VCF-style: chr4-93829299-C-T. GRCh37 (hg19) VCF-style: chr4-94750450-C-T.
Other names: short protein forms R125W.
Identifiers: ClinVar variation 3968150 (VCV003968150.2).